The following is an entry in ClinVar:

NM_000083.3(CLCN1):c.1013G>A (p.Arg338Gln)

Gene: CLCN1 (chloride voltage-gated channel 1; plus strand). Cytogenetic location: 7q34.
Variant type: single nucleotide variant.
Coding change: c.1013G>A on transcript NM_000083.3 (MANE Select); coding-DNA position 1013, G replaced by A.
Protein change: p.Arg338Gln; replaces arginine 338 with glutamine.
Molecular consequence: missense variant. On other transcripts: non-coding transcript variant (1).
Genome position (GRCh38, 1-based): chr7:143,331,265, G>A. VCF-style: chr7-143331265-G-A. GRCh37 (hg19) VCF-style: chr7-143028358-G-A.
Other names: short protein forms R338Q.
Identifiers: ClinVar variation 21037 (VCV000021037.26), dbSNP rs80356703, ClinGen allele CA341533.

ClinVar aggregate classification (germline): Pathogenic/Likely pathogenic. Review status: criteria provided, multiple submitters, no conflicts (2 of 4 stars). 9 submissions from 9 submitters: Pathogenic (7); Likely pathogenic (2). Last evaluated 2026-07-16.

Conditions:
CLCN1-related disorder. Also called: CLCN1-related condition.
Congenital myotonia, autosomal dominant form (THD). Also called: THOMSEN DISEASE; Myotonia congenita autosomal dominant. Identifiers: Orphanet 614, MedGen C2936781, MONDO:0008055, OMIM 160800.
Congenital myotonia, autosomal recessive form. Also called: BECKER DISEASE; myotonia congenita, autosomal recessive; Becker Generalized Myotonia. Identifiers: Orphanet 614, MedGen C0751360, MONDO:0009715, OMIM 255700.

Allele frequency attached by ClinVar (database versions not stated): ExAC 0.00002; gnomAD 0.00003; gnomAD exomes 0.00003 and 0.00004; TOPMed 0.00004.
gnomAD v4.1: 59 of 1,613,622 alleles (0.0037%); highest among the groups gnomAD compares: Non-Finnish European, 0.0048%; no homozygotes.

Submissions (9):

GeneDx
Classification: Likely pathogenic. Last evaluated: 2026-07-16. Review status: criteria provided, single submitter. Criteria: GeneDx Variant Classification Process June 2021. Collection method: clinical testing. Allele origin: germline.
Comment: Published functional studies demonstrate the variant impairs normal muscle excitability (PMID: 10690989); In silico analysis supports that this missense variant has a deleterious effect on protein structure/function; In silico analysis is inconclusive as to whether the variant alters gene splicing. In the absence of RNA/functional studies, the actual effect of this sequence change is unknown.; Not observed at significant frequency in large population cohorts (gnomAD); This variant is associated with the following publications: (PMID: 15786415, 34426522, 7874130, 22187529, 11933197, 11840191, 31589614, 10619717, 23739125, 18337100, 8533761, 18263754, 15311340, 18816629, 22521272, 29606556, 12390967, 32010054, 33263785, 34529042, 27415035, 8857733, 10690989, 38055022)

Labcorp Genetics (formerly Invitae), Labcorp
Classification: Pathogenic for Congenital myotonia, autosomal recessive form; Congenital myotonia, autosomal dominant form. Last evaluated: 2026-01-27. Review status: criteria provided, single submitter. Criteria: Invitae Variant Classification Sherloc (09022015). Collection method: clinical testing. Allele origin: germline.
Comment: This sequence change replaces arginine, which is basic and polar, with glutamine, which is neutral and polar, at codon 338 of the CLCN1 protein (p.Arg338Gln). This variant is present in population databases (rs80356703, gnomAD 0.006%). This missense change has been observed in individual(s) with autosomal recessive myotonia congenita (PMID: 7874130, 8857733, 12390967, 18337100, 23739125, 27415035; internal data). In at least one individual the data is consistent with being in trans (on the opposite chromosome) from a pathogenic variant. ClinVar contains an entry for this variant (Variation ID: 21037). Invitae Evidence Modeling of protein sequence and biophysical properties (such as structural, functional, and spatial information, amino acid conservation, physicochemical variation, residue mobility, and thermodynamic stability) has been performed for this missense variant. However, the output from this modeling did not meet the statistical confidence thresholds required to predict the impact of this variant on CLCN1 protein function. Experimental studies have shown that this missense change affects CLCN1 function (PMID: 10690989). Algorithms developed to predict the effect of sequence changes on RNA splicing suggest that this variant may disrupt the consensus splice site. For these reasons, this variant has been classified as Pathogenic.

Blueprint Genetics
Classification: Pathogenic for CLCN1-related disorders. Last evaluated: 2024-11-22. Review status: criteria provided, single submitter. Criteria: ACMG Guidelines, 2015. Collection method: clinical testing. Allele origin: germline. Affected: yes. Observed: 3 variant alleles.

Revvity Omics, Revvity
Classification: Pathogenic. Last evaluated: 2024-08-19. Review status: criteria provided, single submitter. Criteria: ACMG Guidelines, 2015. Collection method: clinical testing. Allele origin: germline.

Institute of Human Genetics, University of Leipzig Medical Center
Classification: Pathogenic for Congenital myotonia, autosomal dominant form. Last evaluated: 2023-06-05. Review status: criteria provided, single submitter. Criteria: ACMG Guidelines, 2015. Collection method: clinical testing. Allele origin: unknown. Inheritance: Autosomal dominant inheritance. Affected: yes.
Comment: Criteria applied: PS3,PM1,PM3,PS4_SUP,PP4

Athena Diagnostics
Classification: Pathogenic. Last evaluated: 2022-12-28. Review status: criteria provided, single submitter. Criteria: Athena Diagnostics Criteria. Collection method: clinical testing. Allele origin: unknown.
Comment: The frequency of this variant in the general population is consistent with pathogenicity. This variant is statistically more frequent in affected individuals than in the general population and/or healthy controls. This variant has been reported in multiple individuals with a single recessive pathogenic variant in the same gene, suggesting it is associated with autosomal recessive myotonia congenita (PMID: 18337100, 27415035, 33263785, 7874130), however, it has also been reported in a family with possible autosomal dominant myotonia congenita (PMID: 8857733). Assessment of experimental evidence suggests this variant results in abnormal protein function. The mutant protein caused a right-shift in the voltage-dependent of channel activation (PMID: 10690989).

Fulgent Genetics
Classification: Likely pathogenic for Congenital myotonia, autosomal dominant form; Congenital myotonia, autosomal recessive form. Last evaluated: 2021-09-17. Review status: criteria provided, single submitter. Criteria: ACMG Guidelines, 2015. Collection method: clinical testing. Allele origin: unknown.

Neuberg Centre For Genomic Medicine, NCGM
Classification: Pathogenic for Congenital myotonia, autosomal recessive form. Review status: criteria provided, single submitter. Criteria: ACMG Guidelines, 2015. Collection method: clinical testing. Allele origin: germline. Inheritance: Autosomal recessive inheritance. Affected: yes.
Comment: The CLCN1 c.1013G>A (p.Arg338Gln) variant has been reported with a second CLCN1 variant in individuals affected with autosomal recessive myotonia congenita (Yang X et al., 2016). Experimental studies has shown that this missense change alters the properties of the CLCN1 chloride channel in cell culture (Zhang J et al). This variant is reported with the allele frequency (0.0028%) in the gnomad and novel in 1000 genome database. It has been submitted to ClinVar as Pathogenic. The amino acid Arg at position 338 is changed to a Gln changing protein sequence and it might alter its composition and physicochemical properties. The amino acid change p.Arg338Gln in CLCN1 is predicted as conserved by GERP++ and PhyloP across 100 vertebrates. For these reasons, this variant has been classified as Pathogenic.

Rady Children's Institute for Genomic Medicine, Rady Children's Hospital San Diego
Classification: Pathogenic for CLCN1 related disorder. Review status: criteria provided, single submitter. Criteria: ACMG Guidelines, 2015. Collection method: clinical testing. Allele origin: germline. Affected: yes.
Comment: This variant has been reported in the compound heterozygous state in individuals affected with autosomal recessive myotonia congenita (PMID: 7874130, 27415035) and also in individuals with autosomal dominant myotonia congenita (PMID: 8857733, 23739125). This variant has been described to show variable modes of transmission in different families including incomplete dominance and incomplete penetrance (20301529, 8857733, 12390967, 18337100). Functional studies in cultured muscle cells have shown that this missense change alters the properties of the CLCN1 chloride channel, which is thought to affect its ability to maintain normal muscle excitability (PMID: 10690989). This variant is present in the heterozygous state in the gnomAD population database at a frequency of 0.003% (8/282872) and thus is presumed to be rare. This variant affects a highly conserved amino acid and is predicted by multiple in silico tools to have a deleterious effect on protein function. Based on the available evidence, the c.1013G>A (p.Arg338Gln) variant is classified as Pathogenic.

Literature cited by the submitters: PubMed 7874130 (cited by Labcorp Genetics (formerly Invitae), Labcorp and Athena Diagnostics); PubMed 8857733 (cited by Labcorp Genetics (formerly Invitae), Labcorp and Athena Diagnostics); PubMed 12390967 (cited by Labcorp Genetics (formerly Invitae), Labcorp and Athena Diagnostics); PubMed 18337100 (cited by Labcorp Genetics (formerly Invitae), Labcorp and Athena Diagnostics); PubMed 23739125 (cited by Labcorp Genetics (formerly Invitae), Labcorp); PubMed 27415035 (cited by Labcorp Genetics (formerly Invitae), Labcorp and Athena Diagnostics); PubMed 10690989 (cited by Labcorp Genetics (formerly Invitae), Labcorp and Athena Diagnostics); PubMed 27927941 (cited by Athena Diagnostics); PubMed 33263785 (cited by Athena Diagnostics); PubMed 34426522 (cited by Athena Diagnostics); PubMed 31589614 (cited by Athena Diagnostics); PubMed 28427807 (cited by Athena Diagnostics); PubMed 32355288 (cited by Athena Diagnostics); PubMed 8533761 (cited by Athena Diagnostics).